The following is an entry in ClinVar:

ClinVar aggregate classification (germline): Uncertain significance (1 of 4 stars; one submission).

Conditions:
Cystic fibrosis (CF). Also called: MUCOVISCIDOSIS. Identifiers: Orphanet 586, MedGen C0010674, MONDO:0009061, OMIM 219700. Disease mechanism: loss of function.

Submission:

Ambry Genetics
Classification: Uncertain significance for Cystic fibrosis. Last evaluated: 2025-04-12. Review status: criteria provided, single submitter. Criteria: Ambry Variant Classification Scheme 2023. Collection method: clinical testing. Allele origin: germline.
Comment: The p.I982T variant (also known as c.2945T>C), located in coding exon 18 of the CFTR gene, results from a T to C substitution at nucleotide position 2945. The isoleucine at codon 982 is replaced by threonine, an amino acid with similar properties. This amino acid position is conserved. In addition, the in silico prediction for this alteration is inconclusive. Based on the available evidence, the clinical significance of this variant remains unclear.

NM_000492.4(CFTR):c.2945T>C (p.Ile982Thr)

Genes: CFTR-AS2 (CFTR antisense RNA 2; minus strand), CFTR (CF transmembrane conductance regulator; plus strand). Cytogenetic location: 7q31.2.
Variant type: single nucleotide variant.
Coding change: c.2945T>C on transcript NM_000492.4 (MANE Select); coding-DNA position 2945, T replaced by C.
Protein change: p.Ile982Thr; replaces isoleucine 982 with threonine.
Molecular consequence: missense variant.
Genome position (GRCh38, 1-based): chr7:117,606,710, T>C. VCF-style: chr7-117606710-T-C. GRCh37 (hg19) VCF-style: chr7-117246764-T-C.
Other names: short protein forms I982T.
Identifiers: ClinVar variation 4001844 (VCV004001844.1).